The following is an entry in ClinVar:

ClinVar aggregate classification (germline): Likely pathogenic. Review status: criteria provided, multiple submitters, no conflicts (2 of 4 stars). 4 submissions from 4 submitters: Likely pathogenic (4). Last evaluated 2025-07-29.

Conditions:
Cardiovascular phenotype. Identifiers: MedGen CN230736.
Autosomal recessive limb-girdle muscular dystrophy type 2J (LGMDR10). Also called: MUSCULAR DYSTROPHY, LIMB-GIRDLE, AUTOSOMAL RECESSIVE 10; Limb-girdle muscular dystrophy, type 2J. Identifiers: Orphanet 140922, MedGen C1837342, MONDO:0012127, OMIM 608807.
Dilated cardiomyopathy 1G (CMD1G). Identifiers: Orphanet 154, MedGen C1858763, MONDO:0011400, OMIM 604145.
Tibial muscular dystrophy (TMD). Also called: Tibial muscular dystrophy, tardive; Udd Distal Myopathy – Tibial Muscular Dystrophy; UDD MYOPATHY. Identifiers: Orphanet 609, MedGen C1838244, MONDO:0010870, OMIM 600334.
Myopathy, myofibrillar, 9, with early respiratory failure (MFM9). Also called: Myopathy, distal, with early respiratory failure, autosomal dominant; EDSTROM MYOPATHY; MYOPATHY, PROXIMAL, WITH EARLY RESPIRATORY MUSCLE INVOLVEMENT; Hereditary myopathy with early respiratory failure. Identifiers: Orphanet 178464, Orphanet 34521, MedGen C1863599, MONDO:0011362, OMIM 603689.
Early-onset myopathy with fatal cardiomyopathy (CMYO5). Also called: CONGENITAL MYOPATHY 5 WITH CARDIOMYOPATHY; Salih Myopathy. Identifiers: Orphanet 289377, MedGen C2673677, MONDO:0012714, OMIM 611705. Disease mechanism: loss of function.
Hypertrophic cardiomyopathy 9. Also called: Familial hypertrophic cardiomyopathy 9. Identifiers: MedGen C1861065, MONDO:0013412, OMIM 613765.
Primary dilated cardiomyopathy (DCM). Also called: Dilated Cardiomyopathy. Identifiers: Orphanet 217604, MedGen C0007193, MeSH D002311, MONDO:0005021, HP:0001644. Inheritance: Various modes of inheritance.

Submissions (4):

Labcorp Genetics (formerly Invitae), Labcorp
Classification: Likely pathogenic for Dilated cardiomyopathy 1G; Autosomal recessive limb-girdle muscular dystrophy type 2J. Last evaluated: 2025-07-29. Review status: criteria provided, single submitter. Criteria: Invitae Variant Classification Sherloc (09022015). Collection method: clinical testing. Allele origin: germline.
Comment: This sequence change creates a premature translational stop signal (p.Trp18213*) in the TTN gene. While this is not anticipated to result in nonsense mediated decay, it is expected to create a truncated TTN protein. This variant is not present in population databases (gnomAD no frequency). This variant has not been reported in the literature in individuals affected with TTN-related conditions. ClinVar contains an entry for this variant (Variation ID: 165975). This variant is located in the A band of TTN (PMID: 25589632). Truncating variants in this region are significantly overrepresented in patients affected with dilated cardiomyopathy (PMID: 25589632). Truncating variants in this region have also been reported in individuals affected with autosomal recessive centronuclear myopathy (PMID: 23975875). In summary, the currently available evidence indicates that the variant is pathogenic, but additional data are needed to prove that conclusively. Therefore, this variant has been classified as Likely Pathogenic.

Fulgent Genetics
Classification: Likely pathogenic for Tibial muscular dystrophy; Myopathy, myofibrillar, 9, with early respiratory failure; Dilated cardiomyopathy 1G; Autosomal recessive limb-girdle muscular dystrophy type 2J; Early-onset myopathy with fatal cardiomyopathy; Hypertrophic cardiomyopathy 9. Last evaluated: 2021-08-03. Review status: criteria provided, single submitter. Criteria: ACMG Guidelines, 2015. Collection method: clinical testing. Allele origin: unknown.

Ambry Genetics
Classification: Likely pathogenic for Cardiovascular phenotype. Last evaluated: 2021-01-28. Review status: criteria provided, single submitter. Criteria: Ambry Variant Classification Scheme 2023. Collection method: clinical testing. Allele origin: germline.
Comment: The p.W9148* variant (also known as c.27443G>A), located in coding exon 109 of the TTN gene, results from a G to A substitution at nucleotide position 27443. This changes the amino acid from a tryptophan to a stop codon within coding exon 109. This exon is located in the A-band region of the N2-B isoform of the titin protein and is constitutively expressed in TTN transcripts (percent spliced in or PSI 100%). This alteration is expected to result in loss of function by premature protein truncation or nonsense-mediated mRNA decay. While truncating variants in TTN are present in 1-3% of the general population, truncating variants in the A-band are the most common cause of dilated cardiomyopathy (DCM) (Herman DS et al. N. Engl. J. Med., 2012 Feb;366:619-28; Roberts AM et al. Sci Transl Med, 2015 Jan;7:270ra6). TTN truncating variants encoded in constitutive exons (PSI >90%) have been found to be significantly associated with DCM regardless of their position in titin (Schafer S et al. Nat. Genet., 2017 01;49:46-53). This variant was not reported in population-based cohorts in the Genome Aggregation Database (gnomAD). Based on the majority of available evidence to date, this variant is likely to be pathogenic.

Laboratory for Molecular Medicine, Mass General Brigham Personalized Medicine
Classification: Likely pathogenic for Primary dilated cardiomyopathy. Last evaluated: 2015-06-26. Review status: criteria provided, single submitter. Criteria: LMM Criteria. Collection method: clinical testing. Allele origin: germline. Observed: 1 variant allele.
Comment: It was absent from large population studies. This nonsense v ariant leads to a premature termination codon at position 15645, which is predic ted to lead to a truncated or absent protein. Nonsense and other truncating vari ants in TTN are strongly associated with DCM if they are located in the exons en coding for the A-band (Herman 2012, Pugh 2014) and/or are located in an exon tha t is highly expressed in the heart (Roberts 2015). The p.Trp15645X variant is lo cated in A-band in the highly expressed exon 231. In summary, although additiona l studies are required to fully establish its clinical significance, the p.Trp15 645X variant is likely pathogenic.

Literature cited by the submitters: PubMed 25589632 (cited by Labcorp Genetics (formerly Invitae), Labcorp and Laboratory for Molecular Medicine, Mass General Brigham Personalized Medicine); PubMed 23975875 (cited by Labcorp Genetics (formerly Invitae), Labcorp); PubMed 22335739 (cited by Laboratory for Molecular Medicine, Mass General Brigham Personalized Medicine); PubMed 24503780 (cited by Laboratory for Molecular Medicine, Mass General Brigham Personalized Medicine).

NM_001267550.2(TTN):c.54638G>A (p.Trp18213Ter)

Genes: TTN (titin; minus strand), TTN-AS1 (TTN antisense RNA 1; plus strand). Cytogenetic location: 2q31.2.
Variant type: single nucleotide variant.
Coding change: c.54638G>A on transcript NM_001267550.2 (MANE Select); coding-DNA position 54638, G replaced by A.
Protein change: p.Trp18213Ter; replaces tryptophan 18213 with a stop codon.
Molecular consequence: nonsense.
Genome position (GRCh38, 1-based): chr2:178,604,049, C>T on the plus strand (G>A on the coding strand, the complement: TTN is on the minus strand). VCF-style: chr2-178604049-C-T. GRCh37 (hg19) VCF-style: chr2-179468776-C-T.
Other names: c.46934G>A, p.Trp15645Ter (NM_133378.4); c.49715G>A, p.Trp16572Ter (NM_001256850.1); c.27443G>A, p.Trp9148Ter (NM_003319.4); c.27818G>A, p.Trp9273Ter (NM_133432.3); c.28019G>A, p.Trp9340Ter (NM_133437.4); short protein forms W15645*, W18213*, W9148*, W9340*, W16572*, W9273*.
Identifiers: ClinVar variation 165975 (VCV000165975.17), dbSNP rs727503602, ClinGen allele CA273270.